The following is an entry in ClinVar:

NM_001297.5(CNGB1):c.1882G>A (p.Asp628Asn)

Gene: CNGB1 (cyclic nucleotide gated channel subunit beta 1; minus strand). Cytogenetic location: 16q21.
Variant type: single nucleotide variant.
Coding change: c.1882G>A on transcript NM_001297.5 (MANE Select); coding-DNA position 1882, G replaced by A.
Protein change: p.Asp628Asn; replaces aspartic acid 628 with asparagine.
Molecular consequence: missense variant.
Genome position (GRCh38, 1-based): chr16:57,919,174, C>T on the plus strand (G>A on the coding strand, the complement: CNGB1 is on the minus strand). VCF-style: chr16-57919174-C-T. GRCh37 (hg19) VCF-style: chr16-57953078-C-T.
Other names: c.1882G>A (NM_001297.4); c.1864G>A, p.Asp622Asn (NM_001286130.2); short protein forms D622N, D628N.
Identifiers: ClinVar variation 1035788 (VCV001035788.6), dbSNP rs574295098, ClinGen allele CA8083249.

ClinVar aggregate classification (germline): Uncertain significance. Review status: criteria provided, multiple submitters, no conflicts (2 of 4 stars). 2 submissions from 2 submitters: Uncertain significance (2). Last evaluated 2025-03-17.

Conditions:
Inborn genetic diseases. Identifiers: MedGen C0950123, MeSH D030342.

Allele frequency attached by ClinVar (database versions not stated): ExAC 0.00002; gnomAD exomes 0.00002 and 0.00004; gnomAD 0.00003; TOPMed 0.00003.
gnomAD v4.1: 30 of 1,614,060 alleles (0.0019%); highest among the groups gnomAD compares: African/African-American, 0.0027%; no homozygotes.

Submissions (2):

Labcorp Genetics (formerly Invitae), Labcorp
Classification: Uncertain significance. Last evaluated: 2025-03-17. Review status: criteria provided, single submitter. Criteria: Invitae Variant Classification Sherloc (09022015). Collection method: clinical testing. Allele origin: germline.
Comment: This sequence change replaces aspartic acid, which is acidic and polar, with asparagine, which is neutral and polar, at codon 628 of the CNGB1 protein (p.Asp628Asn). This variant is present in population databases (rs574295098, gnomAD 0.008%). This variant has not been reported in the literature in individuals affected with CNGB1-related conditions. ClinVar contains an entry for this variant (Variation ID: 1035788). Invitae Evidence Modeling of protein sequence and biophysical properties (such as structural, functional, and spatial information, amino acid conservation, physicochemical variation, residue mobility, and thermodynamic stability) indicates that this missense variant is not expected to disrupt CNGB1 protein function with a negative predictive value of 80%. In summary, the available evidence is currently insufficient to determine the role of this variant in disease. Therefore, it has been classified as a Variant of Uncertain Significance.

Ambry Genetics
Classification: Uncertain significance for Inborn genetic diseases. Last evaluated: 2023-08-14. Review status: criteria provided, single submitter. Criteria: Ambry Variant Classification Scheme 2023. Collection method: clinical testing. Allele origin: germline.